The following is an entry in ClinVar:

ClinVar aggregate classification (germline): Uncertain significance. Review status: criteria provided, multiple submitters, no conflicts (2 of 4 stars). 2 submissions from 2 submitters: Uncertain significance (2). Last evaluated 2026-01-19.

Conditions:
Inborn genetic diseases. Identifiers: MedGen C0950123, MeSH D030342.

Allele frequency attached by ClinVar (database versions not stated): gnomAD exomes below 0.00001; gnomAD 0.00001; TOPMed 0.00001; ExAC 0.00002.
gnomAD v4.1: 9 of 1,613,886 alleles (0.00056%); highest among the groups gnomAD compares: South Asian, 0.0022%; no homozygotes.

Submissions (2):

Labcorp Genetics (formerly Invitae), Labcorp
Classification: Uncertain significance. Last evaluated: 2026-01-19. Review status: criteria provided, single submitter. Criteria: Invitae Variant Classification Sherloc (09022015). Collection method: clinical testing. Allele origin: germline.
Comment: This sequence change replaces arginine, which is basic and polar, with cysteine, which is neutral and slightly polar, at codon 177 of the APOPT1 protein (p.Arg177Cys). This variant is present in population databases (rs750908081, gnomAD 0.006%). This variant has not been reported in the literature in individuals affected with APOPT1-related conditions. ClinVar contains an entry for this variant (Variation ID: 2167817). An algorithm developed to predict the effect of missense changes on protein structure and function (PolyPhen-2) suggests that this variant is likely to be tolerated. In summary, the available evidence is currently insufficient to determine the role of this variant in disease. Therefore, it has been classified as a Variant of Uncertain Significance.

Ambry Genetics
Classification: Uncertain significance for Inborn genetic diseases. Last evaluated: 2023-05-03. Review status: criteria provided, single submitter. Criteria: Ambry Variant Classification Scheme 2023. Collection method: clinical testing. Allele origin: germline.

NM_001370595.2(COA8):c.490C>T (p.Arg164Cys)

Gene: COA8 (cytochrome c oxidase assembly factor 8; plus strand). Cytogenetic location: 14q32.33.
Variant type: single nucleotide variant.
Coding change: c.490C>T on transcript NM_001370595.2 (MANE Select); coding-DNA position 490, C replaced by T.
Protein change: p.Arg164Cys; replaces arginine 164 with cysteine.
Molecular consequence: missense variant. On other transcripts: 3 prime UTR variant (1), non-coding transcript variant (2).
Genome position (GRCh38, 1-based): chr14:103,590,194, C>T. VCF-style: chr14-103590194-C-T. GRCh37 (hg19) VCF-style: chr14-104056531-C-T.
Other names: c.529C>T (NM_032374.3); c.*44C>T (NM_001302653.2); short protein forms R164C.
Identifiers: ClinVar variation 2167817 (VCV002167817.6), dbSNP rs750908081, ClinGen allele CA7365643.
Genomic context (GRCh38, chr14:103,590,194, plus strand): 5'-TCAGTCCCTGCCACCGTGTCACCTGTGCATCCTCTGTTTCTCTACAGAGATTGGTACAAG[C>T]GCAATTTTGCCATCACCTTCTTCATGGGAAAAGTGGCCCTGGAAAGGATTTGGAACAAGC-3'
Protein context (NP_001357524.1, residues 154-174): HMYYNRDWYK[Arg164Cys]NFAITFFMGK